The following is an entry in ClinVar:

ClinVar aggregate classification (germline): Likely pathogenic (1 of 4 stars; one submission).

Conditions:
Deficiency of alpha-mannosidase (MANSA). Also called: Mannosidosis, alpha-, types I and II; Alpha-Mannosidosis; LYSOSOMAL ALPHA-D-MANNOSIDASE DEFICIENCY. Identifiers: Orphanet 61, MedGen C0024748, MONDO:0009561, OMIM 248500.

Submission:

Myriad Genetics, Inc.
Classification: Likely pathogenic for Deficiency of alpha-mannosidase. Last evaluated: 2019-05-20. Review status: criteria provided, single submitter. Criteria: Myriad Women's Health Autosomal Recessive and X-Linked Classification Criteria (2019). Collection method: clinical testing. Allele origin: unknown.
Comment: NM_000528.3(MAN2B1):c.1736C>G(S579*) is expected to be pathogenic in the context of alpha-mannosidosis. This variant is predicted to lead to an abnormal or absent protein product due to the creation of a premature termination codon in MAN2B1, a gene where loss-of-function variants are known to be pathogenic. Please note: this variant was assessed in the context of healthy population screening.

NM_000528.4(MAN2B1):c.1736C>G (p.Ser579Ter)

Gene: MAN2B1 (mannosidase alpha class 2B member 1; minus strand). Cytogenetic location: 19p13.13.
Variant type: single nucleotide variant.
Coding change: c.1736C>G on transcript NM_000528.4 (MANE Select); coding-DNA position 1736, C replaced by G.
Protein change: p.Ser579Ter; replaces serine 579 with a stop codon.
Molecular consequence: nonsense.
Genome position (GRCh38, 1-based): chr19:12,655,788, G>C on the plus strand (C>G on the coding strand, the complement: MAN2B1 is on the minus strand). VCF-style: chr19-12655788-G-C. GRCh37 (hg19) VCF-style: chr19-12766602-G-C.
Other names: c.1733C>G, p.Ser578Ter (NM_001173498.2); short protein forms S578*, S579*.
Identifiers: ClinVar variation 984120 (VCV000984120.3), dbSNP rs2023939487, ClinGen allele CA404244873.